The following is an entry in ClinVar:

ClinVar aggregate classification (germline): Likely pathogenic (1 of 4 stars; one submission).

Conditions:
PPARG-related disorder. Also called: PPARG-related disorders; PPARG-related condition.

Submission:

Women's Health and Genetics/Laboratory Corporation of America, LabCorp
Classification: Likely pathogenic for PPARG-Related Disorders. Last evaluated: 2022-11-12. Review status: criteria provided, single submitter. Criteria: LabCorp Variant Classification Summary - May 2015. Collection method: clinical testing. Allele origin: germline.
Comment: Variant summary: PPARG c.30delT (p.Ile10MetfsX20) results in a premature termination codon, predicted to cause a truncation of the encoded protein or absence of the protein due to nonsense mediated decay, which are commonly known mechanisms for disease. The variant was absent in 251110 control chromosomes (gnomAD). To our knowledge, no occurrence of c.30delT in individuals affected with PPARG-Related Disorders and no experimental evidence demonstrating its impact on protein function have been reported. No clinical diagnostic laboratories have submitted clinical-significance assessments for this variant to ClinVar after 2014. Based on the evidence outlined above, the variant was classified as likely pathogenic.

NM_138711.6(PPARG):c.-8-28082del

Gene: PPARG (peroxisome proliferator activated receptor gamma; plus strand). Cytogenetic location: 3p25.2.
Variant type: Deletion.
Coding change: c.-8-28082del on transcript NM_138711.6 (MANE Select); 28082 bases into the intron before 8 bases upstream of the start codon, one base deleted (T; older notation c.-8-28082delT).
Molecular consequence: intron variant. On other transcripts: frameshift variant (3).
Genome position (GRCh38, 1-based): chr3:12,351,622, T deleted; the last of 2 consecutive T bases (chr3:12,351,621-12,351,622); deleting either gives the same sequence. VCF-style (leftmost placement, unchanged base first): chr3-12351620-AT-A. GRCh37 (hg19) VCF-style: chr3-12393119-AT-A.
Other names: c.30del, p.Ile10fs (NM_001354668.2, NM_001374265.1, NM_015869.5); c.-8-28082del (NM_001354666.3, NM_138712.5, NM_005037.7 and 5 more transcripts); c.-435-28082del (NM_001354669.2); c.-9+6728del (NM_001374262.3); c.-2-28082del (NM_001374266.1, NM_001354670.2); short protein forms I10fs.
Identifiers: ClinVar variation 1804804 (VCV001804804.1), dbSNP rs2470725074, ClinGen allele CA2580068437.